The following is an entry in ClinVar:

ClinVar aggregate classification (germline): Likely benign (0 of 4 stars; one submission).

Conditions:
QRICH1-related disorder. Also called: QRICH1-related condition.

Allele frequency attached by ClinVar (database versions not stated): gnomAD exomes 0.00002; ExAC 0.00007; 1000 Genomes Project 30x 0.00016; 1000 Genomes Project 0.00020; gnomAD 0.00023; TOPMed 0.00027; ESP Exome Variant Server 0.00046.
gnomAD v4.1: 64 of 1,612,966 alleles (0.004%); highest among the groups gnomAD compares: African/African-American, 0.079%; no homozygotes.

Submission:

PreventionGenetics, part of Exact Sciences
Classification: Likely benign for QRICH1-related condition. Last evaluated: 2019-11-14. Review status: no assertion criteria provided. Collection method: clinical testing. Allele origin: germline.
Comment: This variant is classified as likely benign based on ACMG/AMP sequence variant interpretation guidelines (Richards et al. 2015 PMID: 25741868, with internal and published modifications).

NM_198880.3(QRICH1):c.729A>G (p.Gln243=)

Gene: QRICH1 (glutamine rich 1; minus strand). Cytogenetic location: 3p21.31.
Variant type: single nucleotide variant.
Coding change: c.729A>G on transcript NM_198880.3 (MANE Select); coding-DNA position 729, A replaced by G.
Protein change: p.Gln243=; no amino-acid change (glutamine 243 retained).
Molecular consequence: synonymous variant.
Genome position (GRCh38, 1-based): chr3:49,057,471, T>C on the plus strand (A>G on the coding strand, the complement: QRICH1 is on the minus strand). VCF-style: chr3-49057471-T-C. GRCh37 (hg19) VCF-style: chr3-49094904-T-C.
Other names: c.729A>G, p.Gln243= (NM_001320580.2, NM_001320581.2, NM_001320582.2 and 4 more transcripts).
Identifiers: ClinVar variation 3046070 (VCV003046070.2), dbSNP rs150150394, ClinGen allele CA2391282.